The following is an entry in ClinVar:

NM_000093.5(COL5A1):c.212C>G (p.Pro71Arg)

Gene: COL5A1 (collagen type V alpha 1 chain; plus strand). Cytogenetic location: 9q34.3.
Variant type: single nucleotide variant.
Coding change: c.212C>G on transcript NM_000093.5 (MANE Select); coding-DNA position 212, C replaced by G.
Protein change: p.Pro71Arg; replaces proline 71 with arginine.
Molecular consequence: missense variant.
Genome position (GRCh38, 1-based): chr9:134,691,014, C>G. VCF-style: chr9-134691014-C-G. GRCh37 (hg19) VCF-style: chr9-137582860-C-G.
Other names: c.212C>G, p.Pro71Arg (NM_001278074.1); short protein forms P71R.
Identifiers: ClinVar variation 2506603 (VCV002506603.1), dbSNP rs779540528, ClinGen allele CA201076665.

ClinVar aggregate classification (germline): Uncertain significance (1 of 4 stars; one submission).

gnomAD v4.1: 1 of 1,613,820 alleles (0.000062%); highest among the groups gnomAD compares: Non-Finnish European, 0.000085%; no homozygotes.

Submission:

GeneDx
Classification: Uncertain significance. Last evaluated: 2022-12-20. Review status: criteria provided, single submitter. Criteria: GeneDx Variant Classification Process June 2021. Collection method: clinical testing. Allele origin: germline. Affected: yes.
Comment: Not observed at significant frequency in large population cohorts (gnomAD); In silico analysis supports that this missense variant has a deleterious effect on protein structure/function; Has not been previously published as pathogenic or benign to our knowledge; Not located in the triple helical region, where the majority of pathogenic missense variants occur (Symoens et al., 2012; HGMD); This variant is associated with the following publications: (PMID: 22696272)